The following is an entry in ClinVar:

NM_144997.7(FLCN):c.762_763delinsTT (p.His255Tyr)

Gene: FLCN (folliculin; minus strand). Cytogenetic location: 17p11.2.
Variant type: Indel.
Coding change: c.762_763delinsTT on transcript NM_144997.7 (MANE Select); coding-DNA positions 762 to 763, GC replaced by TT.
Protein change: p.His255Tyr; replaces histidine 255 with tyrosine.
Molecular consequence: missense variant.
Genome position (GRCh38, 1-based): chr17:17,222,517-17,222,518, GC replaced by AA on the plus strand (GC replaced by TT on the coding strand, the reverse complement: FLCN is on the minus strand). VCF-style: chr17-17222517-GC-AA. GRCh37 (hg19) VCF-style: chr17-17125831-GC-AA.
Other names: c.816_817delinsTT, p.His273Tyr (NM_001353229.2); c.762_763delinsTT, p.His255Tyr (NM_001353230.2, NM_001353231.2, NM_144606.7); short protein forms H255Y, H273Y.
Identifiers: ClinVar variation 2583860 (VCV002583860.2), dbSNP rs2544231997, ClinGen allele CA2582342148.
Genomic context (GRCh38, chr17:17,222,517, plus strand): 5'-TGCTCTATCCTAACAGATATGCCAAAAGCAGAGACGCCCGTTACCAGGCAAAGGAGGTGT[GC>AA]AGGCACGCCCACAGGTTGTCATCACTTGTCAGCGATGTCAGCGAGCGGGCGGCGTTGCCG-3'
Protein context (NP_659434.2, residues 245-265): TSDDNLWACL[His255Tyr]TSFAWLLKAC

ClinVar aggregate classification (germline): Likely pathogenic (1 of 4 stars; one submission).

Conditions:
Birt-Hogg-Dube syndrome. Also called: Birt Hogg Dubé syndrome. Identifiers: Orphanet 122, MedGen C0346010, MONDO:0800444.

Submission:

Myriad Genetics, Inc.
Classification: Likely pathogenic for Birt-Hogg-Dube syndrome 1. Last evaluated: 2023-06-29. Review status: criteria provided, single submitter. Criteria: Myriad Autosomal Dominant, Autosomal Recessive and X-Linked Classification Criteria (2023). Collection method: clinical testing. Allele origin: unknown.
Comment: This variant is considered likely pathogenic. Functional studies indicate this variant impacts protein function [PMID: 28007907]. This variant is expected to disrupt protein structure [Myriad internal data]. This variant has been reported in multiple individuals with clinical features of gene-specific disease [PMID:34604083, 28007907].

Literature cited by the submitters: PubMed 28007907; PubMed 34604083.